The following is an entry in ClinVar:

ClinVar aggregate classification (germline): Likely benign. Review status: criteria provided, multiple submitters, no conflicts (2 of 4 stars). 2 submissions from 2 submitters: Likely benign (2). Last evaluated 2026-09-23.

Conditions:
Neurofibromatosis, type 1 (NF1). Also called: VON RECKLINGHAUSEN DISEASE; Peripheral type neurofibromatosis; NEUROFIBROMATOSIS, TYPE I, SOMATIC; Neurofibromatosis, type I. Identifiers: Orphanet 636, MedGen C0027831, MONDO:0018975, OMIM 162200. Disease mechanism: loss of function.

Allele frequency attached by ClinVar (database versions not stated): TOPMed below 0.00001.
gnomAD v4.1: 11 of 1,613,456 alleles (0.00068%); highest among the groups gnomAD compares: Non-Finnish European, 0.00076%; no homozygotes.

Submissions (2):

Myriad Genetics, Inc.
Classification: Likely benign for Neurofibromatosis, type 1. Last evaluated: 2026-09-23. Review status: criteria provided, single submitter. Criteria: Myriad Autosomal Dominant, Autosomal Recessive and X-Linked Classification Criteria (2023). Collection method: clinical testing. Allele origin: unknown.
Comment: This variant is considered likely benign. This variant is intronic and is not expected to impact mRNA splicing.

Labcorp Genetics (formerly Invitae), Labcorp
Classification: Likely benign for Neurofibromatosis, type 1. Last evaluated: 2025-12-17. Review status: criteria provided, single submitter. Criteria: Invitae Variant Classification Sherloc (09022015). Collection method: clinical testing. Allele origin: germline.

NM_001042492.3(NF1):c.2325+6C>T

Gene: NF1 (neurofibromin 1; plus strand). Cytogenetic location: 17q11.2.
Variant type: single nucleotide variant.
Coding change: c.2325+6C>T on transcript NM_001042492.3 (MANE Select); 6 bases into the intron after coding-DNA position 2325, C replaced by T.
Molecular consequence: intron variant.
Genome position (GRCh38, 1-based): chr17:31,227,297, C>T. VCF-style: chr17-31227297-C-T. GRCh37 (hg19) VCF-style: chr17-29554315-C-T.
Other names: c.2325+6C>T (NM_000267.4).
Identifiers: ClinVar variation 568795 (VCV000568795.8), dbSNP rs1567847979, ClinGen allele CA891844366.